The following is an entry in ClinVar:

ClinVar aggregate classification (germline): Uncertain significance (1 of 4 stars; one submission).

Submission:

GeneDx
Classification: Uncertain significance. Last evaluated: 2024-03-05. Review status: criteria provided, single submitter. Criteria: GeneDx Variant Classification Process June 2021. Collection method: clinical testing. Allele origin: germline. Affected: yes.
Comment: Not observed at significant frequency in large population cohorts (gnomAD); In silico analysis supports that this missense variant has a deleterious effect on protein structure/function; Has not been previously published as pathogenic or benign to our knowledge

NM_001271.4(CHD2):c.2519C>A (p.Ser840Tyr)

Gene: CHD2 (chromodomain helicase DNA binding protein 2; plus strand). Cytogenetic location: 15q26.1.
Variant type: single nucleotide variant.
Coding change: c.2519C>A on transcript NM_001271.4 (MANE Select); coding-DNA position 2519, C replaced by A.
Protein change: p.Ser840Tyr; replaces serine 840 with tyrosine.
Molecular consequence: missense variant.
Genome position (GRCh38, 1-based): chr15:92,974,892, C>A. VCF-style: chr15-92974892-C-A. GRCh37 (hg19) VCF-style: chr15-93518122-C-A.
Other names: short protein forms S840Y.
Identifiers: ClinVar variation 3367951 (VCV003367951.1).